The following is an entry in ClinVar:

NM_001134232.2(TMEM106B):c.481G>A (p.Glu161Lys)

Gene: TMEM106B (transmembrane protein 106B; plus strand). Cytogenetic location: 7p21.3.
Variant type: single nucleotide variant.
Coding change: c.481G>A on transcript NM_001134232.2 (MANE Select); coding-DNA position 481, G replaced by A.
Protein change: p.Glu161Lys; replaces glutamic acid 161 with lysine.
Molecular consequence: missense variant.
Genome position (GRCh38, 1-based): chr7:12,229,718, G>A. VCF-style: chr7-12229718-G-A. GRCh37 (hg19) VCF-style: chr7-12269344-G-A.
Other names: c.481G>A, p.Glu161Lys (NM_018374.4); short protein forms E161K.
Identifiers: ClinVar variation 3005135 (VCV003005135.3), dbSNP rs1252821877, ClinGen allele CA366856966.

ClinVar aggregate classification (germline): Uncertain significance (1 of 4 stars; one submission).

Allele frequency attached by ClinVar (database versions not stated): gnomAD exomes below 0.00001; gnomAD 0.00001; TOPMed 0.00002.
gnomAD v4.1: 2 of 1,612,136 alleles (0.00012%); highest among the groups gnomAD compares: Non-Finnish European, 0.00017%; no homozygotes.

Submission:

Labcorp Genetics (formerly Invitae), Labcorp
Classification: Uncertain significance. Last evaluated: 2023-06-07. Review status: criteria provided, single submitter. Criteria: Invitae Variant Classification Sherloc (09022015). Collection method: clinical testing. Allele origin: germline.
Comment: This variant is not present in population databases (gnomAD no frequency). This variant has not been reported in the literature in individuals affected with TMEM106B-related conditions. Advanced modeling of protein sequence and biophysical properties (such as structural, functional, and spatial information, amino acid conservation, physicochemical variation, residue mobility, and thermodynamic stability) performed at Invitae indicates that this missense variant is not expected to disrupt TMEM106B protein function. In summary, the available evidence is currently insufficient to determine the role of this variant in disease. Therefore, it has been classified as a Variant of Uncertain Significance. This sequence change replaces glutamic acid, which is acidic and polar, with lysine, which is basic and polar, at codon 161 of the TMEM106B protein (p.Glu161Lys).